The following is an entry in ClinVar:

NM_003466.4(PAX8):c.1150G>A (p.Gly384Ser)

Gene: PAX8 (paired box 8; minus strand). Cytogenetic location: 2q14.1.
Variant type: single nucleotide variant.
Coding change: c.1150G>A on transcript NM_003466.4 (MANE Select); coding-DNA position 1150, G replaced by A.
Protein change: p.Gly384Ser; replaces glycine 384 with serine.
Molecular consequence: missense variant. On other transcripts: synonymous variant (2), intron variant (1).
Genome position (GRCh38, 1-based): chr2:113,227,194, C>T on the plus strand (G>A on the coding strand, the complement: PAX8 is on the minus strand). VCF-style: chr2-113227194-C-T. GRCh37 (hg19) VCF-style: chr2-113984771-C-T.
Other names: c.1071G>A, p.Arg357= (NM_013952.4); c.840G>A, p.Arg280= (NM_013953.4); c.778-7016G>A (NM_013992.4); short protein forms G384S.
Identifiers: ClinVar variation 763999 (VCV000763999.8), dbSNP rs199820445, ClinGen allele CA1839942.

ClinVar aggregate classification (germline): Conflicting classifications of pathogenicity. Review status: criteria provided, conflicting classifications (1 of 4 stars). 3 submissions from 3 submitters: Uncertain significance (1); Benign (1); Likely benign (1). Last evaluated 2023-10-11.

Conditions:
Hypothyroidism, congenital, nongoitrous, 2 (CHNG2). Also called: Hypothyroidism, congenital, due to thyroid dysgenesis or hypoplasia. Identifiers: Orphanet 95712, MedGen C1869118, MONDO:0024264, OMIM 218700.

Allele frequency attached by ClinVar (database versions not stated): ESP Exome Variant Server 0.00008; gnomAD exomes 0.00011 and 0.00027; gnomAD 0.00013; TOPMed 0.00014; ExAC 0.00042.
gnomAD v4.1: 188 of 1,609,132 alleles (0.012%); highest among the groups gnomAD compares: African/African-American, 0.0027%; no homozygotes.

Submissions (3):

Women's Health and Genetics/Laboratory Corporation of America, LabCorp
Classification: Likely benign. Last evaluated: 2023-10-11. Review status: criteria provided, single submitter. Criteria: LabCorp Variant Classification Summary - May 2015. Collection method: clinical testing. Allele origin: germline.
Comment: Variant summary: PAX8 c.1150G>A (p.Gly384Ser) results in a non-conservative amino acid change located in the Paired-box protein 2 C-terminal (IPR022130) of the encoded protein sequence. Three of five in-silico tools predict a benign effect of the variant on protein function. The variant allele was found at a frequency of 0.00027 in 237874 control chromosomes, predominantly at a frequency of 4.6e-05 within the Ashkenazi Jewish subpopulation in the gnomAD database. To our knowledge, no occurrence of c.1150G>A in individuals affected with Hypothyroidism, Congenital, Nongoitrous, 2 and no experimental evidence demonstrating its impact on protein function have been reported. Two submitters have cited clinical-significance assessments for this variant to ClinVar after 2014. One submitter classified the variant as benign, and one submitter classified the variant as uncertain significance. Based on the evidence outlined above, the variant was classified as likely benign.

Labcorp Genetics (formerly Invitae), Labcorp
Classification: Benign. Last evaluated: 2018-12-19. Review status: criteria provided, single submitter. Criteria: Invitae Variant Classification Sherloc (09022015). Collection method: clinical testing. Allele origin: germline.

Illumina Laboratory Services, Illumina
Classification: Uncertain significance for Hypothyroidism, congenital, nongoitrous, 2. Last evaluated: 2018-01-13. Review status: criteria provided, single submitter. Criteria: ICSL Variant Classification Criteria 13 December 2019. Collection method: clinical testing. Allele origin: germline.